The following is an entry in ClinVar:

NM_004565.3(PEX14):c.*7G>T

Gene: PEX14 (peroxisomal biogenesis factor 14; plus strand). Cytogenetic location: 1p36.22.
Variant type: single nucleotide variant.
Coding change: c.*7G>T on transcript NM_004565.3 (MANE Select); 7 bases downstream of the stop codon, G replaced by T.
Molecular consequence: 3 prime UTR variant.
Genome position (GRCh38, 1-based): chr1:10,629,994, G>T. VCF-style: chr1-10629994-G-T. GRCh37 (hg19) VCF-style: chr1-10690051-G-T.
Identifiers: ClinVar variation 501866 (VCV000501866.12), dbSNP rs367982022, ClinGen allele CA584042.

ClinVar aggregate classification (germline): Conflicting classifications of pathogenicity. Review status: criteria provided, conflicting classifications (1 of 4 stars). 4 submissions from 4 submitters: Uncertain significance (1); Likely benign (2). 1 of the submissions does not count toward it. Last evaluated 2024-10-18.

Conditions:
PEX14-related disorder. Also called: PEX14-related condition.
Peroxisome biogenesis disorder 13A (Zellweger). Also called: Peroxisome biogenesis disorder 13A. Identifiers: Orphanet 912, MedGen C3554004, MONDO:0013952, OMIM 614887.

Allele frequency attached by ClinVar (database versions not stated): gnomAD 0.00003; TOPMed 0.00004; 1000 Genomes Project 30x 0.00141; 1000 Genomes Project 0.00180.

Submissions (4):

Blueprint Genetics
Classification: Likely benign. Last evaluated: 2024-10-18. Review status: criteria provided, single submitter. Criteria: ACMG Guidelines, 2015. Collection method: clinical testing. Allele origin: germline.

Illumina Laboratory Services, Illumina
Classification: Uncertain significance for Peroxisome biogenesis disorder 13A (Zellweger). Last evaluated: 2018-01-13. Review status: criteria provided, single submitter. Criteria: ICSL Variant Classification Criteria 13 December 2019. Collection method: clinical testing. Allele origin: germline.

Eurofins Ntd Llc (ga)
Classification: Likely benign. Last evaluated: 2017-05-04. Review status: criteria provided, single submitter. Criteria: EGL Classification Definitions 2015. Collection method: clinical testing. Allele origin: germline. Observed: 1 variant allele, 1 heterozygote.

PreventionGenetics, part of Exact Sciences
Classification: Likely benign for PEX14-related condition. Last evaluated: 2019-04-16. Review status: no assertion criteria provided. Collection method: clinical testing. Allele origin: germline. Not counted in ClinVar's aggregate classification.
Comment: This variant is classified as likely benign based on ACMG/AMP sequence variant interpretation guidelines (Richards et al. 2015 PMID: 25741868, with internal and published modifications).